The following is an entry in ClinVar:

NM_000426.4(LAMA2):c.1301del (p.Arg434fs)

Gene: LAMA2 (laminin subunit alpha 2; plus strand). Cytogenetic location: 6q22.33.
Variant type: Deletion.
Coding change: c.1301del on transcript NM_000426.4 (MANE Select); coding-DNA position 1301, one base deleted (G; older notation c.1301delG).
Protein change: p.Arg434fs; shifts the reading frame from arginine 434.
Molecular consequence: frameshift variant.
Genome position (GRCh38, 1-based): chr6:129,165,670, G deleted. VCF-style (leftmost placement, unchanged base first): chr6-129165669-CG-C. GRCh37 (hg19) VCF-style: chr6-129486814-CG-C.
Other names: c.1301del, p.Arg434fs (NM_001079823.2); c.1301delG (NM_000426.3); short protein forms R434fs.
Identifiers: ClinVar variation 477439 (VCV000477439.7), dbSNP rs1554230455, ClinGen allele CA658657613.
Genomic context (GRCh38, chr6:129,165,669, plus strand): 5'-TGTCATTGCGATCCAATTGGTTCCTTAAATGAAGTCTGTGTCAAGGATGAGAAACATGCT[CG>C]ACGAGGTGAGAGCTGCAGCAGAATGTCACTGCTCTGATAAAAGGACAACTAAAAGCCAAA-3'

ClinVar aggregate classification (germline): Pathogenic (1 of 4 stars; one submission).

Conditions:
LAMA2-related muscular dystrophy (LAMA2-RD). Also called: Laminin alpha 2-related dystrophy. Identifiers: MedGen C5679788, MONDO:0100228.

Submission:

Labcorp Genetics (formerly Invitae), Labcorp
Classification: Pathogenic for LAMA2-related muscular dystrophy. Last evaluated: 2021-03-24. Review status: criteria provided, single submitter. Criteria: Invitae Variant Classification Sherloc (09022015). Collection method: clinical testing. Allele origin: germline.
Comment: For these reasons, this variant has been classified as Pathogenic. This variant has not been reported in the literature in individuals with LAMA2-related conditions. ClinVar contains an entry for this variant (Variation ID: 477439). This variant is not present in population databases (ExAC no frequency). This sequence change creates a premature translational stop signal (p.Arg434Hisfs*18) in the LAMA2 gene. It is expected to result in an absent or disrupted protein product. Loss-of-function variants in LAMA2 are known to be pathogenic (PMID: 18700894).

Literature cited by the submitters: PubMed 18700894.